The following is an entry in ClinVar:

ClinVar aggregate classification (germline): Uncertain significance (1 of 4 stars; one submission).

Submission:

Labcorp Genetics (formerly Invitae), Labcorp
Classification: Uncertain significance. Last evaluated: 2022-07-28. Review status: criteria provided, single submitter. Criteria: Invitae Variant Classification Sherloc (09022015). Collection method: clinical testing. Allele origin: germline.
Comment: In summary, the available evidence is currently insufficient to determine the role of this variant in disease. Therefore, it has been classified as a Variant of Uncertain Significance. This sequence change falls in intron 9 of the PAFAH1B1 gene. It does not directly change the encoded amino acid sequence of the PAFAH1B1 protein. This variant is not present in population databases (gnomAD no frequency). This variant has not been reported in the literature in individuals affected with PAFAH1B1-related conditions. Algorithms developed to predict the effect of sequence changes on RNA splicing suggest that this variant may disrupt the consensus splice site.

NM_000430.4(PAFAH1B1):c.1003-4_1003-3insTTTTTTTTTTTTTTTTTTTTNNNNNNNNNNCTCCTGACCTTGTGATCCGCCCGCCTCGGCCTCCCCAAGTGCTGGGATTACAGGCGTGAGCCACCGCGCCCGGCCTGCTTTTTTGTTTTT

Gene: PAFAH1B1 (platelet activating factor acetylhydrolase 1b regulatory subunit 1; plus strand). Cytogenetic location: 17p13.3.
Variant type: Insertion.
Coding change: c.1003-4_1003-3insTTTTTTTTTTTTTTTTTTTTNNNNNNNNNNCTCCTGACCTTGTGATCCGCCCGCCTCGGCCTCCCCAAGTGCTGGGATTACAGGCGTGAGCCACCGCGCCCGGCCTGCTTTTTTGTTTTT on transcript NM_000430.4 (MANE Select); 4 bases into the intron before coding-DNA position 1003 through 3 bases into the intron before coding-DNA position 1003, TTTTTTTTTTTTTTTTTTTTNNNNNNNNNNCTCCTGACCTTGTGATCCGCCCGCCTCGGCCTCCCCAAGTGCTGGGATTACAGGCGTGAGCCACCGCGCCCGGCCTGCTTTTTTGTTTTT inserted.
Molecular consequence: intron variant.
Genome position: GRCh38: chr17:2,680,160-2,680,161. GRCh37 (hg19): chr17:2,583,454-2,583,455.
Identifiers: ClinVar variation 2020051 (VCV002020051.4), dbSNP rs2544121354.